The following is an entry in ClinVar:

ClinVar aggregate classification (germline): Uncertain significance (1 of 4 stars; one submission).

Allele frequency attached by ClinVar (database versions not stated): TOPMed below 0.00001; gnomAD exomes 0.00001.
gnomAD v4.1: 1 of 1,548,308 alleles (0.000065%); highest among the groups gnomAD compares: Non-Finnish European, 0.000087%; no homozygotes.

Submission:

Labcorp Genetics (formerly Invitae), Labcorp
Classification: Uncertain significance. Last evaluated: 2023-03-24. Review status: criteria provided, single submitter. Criteria: Invitae Variant Classification Sherloc (09022015). Collection method: clinical testing. Allele origin: germline.
Comment: In summary, the available evidence is currently insufficient to determine the role of this variant in disease. Therefore, it has been classified as a Variant of Uncertain Significance. An algorithm developed to predict the effect of missense changes on protein structure and function (PolyPhen-2) suggests that this variant is likely to be disruptive. ClinVar contains an entry for this variant (Variation ID: 1420023). This variant has not been reported in the literature in individuals affected with DTHD1-related conditions. This variant is present in population databases (no rsID available, gnomAD 0.002%). This sequence change replaces threonine, which is neutral and polar, with serine, which is neutral and polar, at codon 501 of the DTHD1 protein (p.Thr501Ser).

NM_001170700.3(DTHD1):c.2371A>T (p.Thr791Ser)

Gene: DTHD1 (death domain containing 1; plus strand). Cytogenetic location: 4p14.
Variant type: single nucleotide variant.
Coding change: c.2371A>T on transcript NM_001170700.3 (MANE Select); coding-DNA position 2371, A replaced by T.
Protein change: p.Thr791Ser; replaces threonine 791 with serine.
Molecular consequence: missense variant. On other transcripts: non-coding transcript variant (1), intron variant (1).
Genome position (GRCh38, 1-based): chr4:36,339,142, A>T. VCF-style: chr4-36339142-A-T. GRCh37 (hg19) VCF-style: chr4-36340764-A-T.
Other names: c.1501A>T, p.Thr501Ser (NM_001136536.5); c.1408-4360A>T (NM_001378435.1); short protein forms T791S, T501S.
Identifiers: ClinVar variation 1420023 (VCV001420023.8), dbSNP rs1258085323, ClinGen allele CA356681936.